The following is an entry in ClinVar:

ClinVar aggregate classification (germline): Pathogenic/Likely pathogenic. Review status: criteria provided, multiple submitters, no conflicts (2 of 4 stars). 2 submissions from 2 submitters: Pathogenic (1); Likely pathogenic (1). Last evaluated 2023-08-04.

Conditions:
CYP11B2-related disorders.
Familial hypoaldosteronism. Identifiers: Orphanet 427, MedGen C4275180, MONDO:0018541.

Submissions (2):

Women's Health and Genetics/Laboratory Corporation of America, LabCorp
Classification: Likely pathogenic for Familial hypoaldosteronism. Last evaluated: 2023-08-04. Review status: criteria provided, single submitter. Criteria: LabCorp Variant Classification Summary - May 2015. Collection method: clinical testing. Allele origin: germline.
Comment: Variant summary: CYP11B2 c.945C>G (p.Ser315Arg) results in a non-conservative amino acid change in the encoded protein sequence. Three of five in-silico tools predict a damaging effect of the variant on protein function. The variant was absent in 251406 control chromosomes (gnomAD). c.945C>G has been reported in the literature in compound heterozygous individuals affected with Aldosterone Synthase Deficiency (Nguyen_2010). These data indicate that the variant may be associated with disease. Enzymatic activity assayed using transfected COS-1 cells showed that the variant impaired 11b-hydroxylation capacity and abolished both 18-hydroxylation and 18-oxidation activity (Nguyen_2010). The following publication has been ascertained in the context of this evaluation (PMID: 20494601). No submitters have cited clinical-significance assessments for this variant to ClinVar after 2014. Based on the evidence outlined above, the variant was classified as likely pathogenic.

Blueprint Genetics
Classification: Pathogenic for CYP11B2-related disorders. Last evaluated: 2021-01-26. Review status: criteria provided, single submitter. Criteria: ACMG Guidelines, 2015. Collection method: clinical testing. Allele origin: germline. Affected: yes. Observed: 1 variant allele.

Literature cited by the submitters: PubMed 20494601 (cited by Women's Health and Genetics/Laboratory Corporation of America, LabCorp).

NM_000498.3(CYP11B2):c.945C>G (p.Ser315Arg)

Genes: CYP11B2 (cytochrome P450 family 11 subfamily B member 2; minus strand), LOC106799834 (CYP11B2 recombination region; plus strand). Cytogenetic location: 8q24.3.
Variant type: single nucleotide variant.
Coding change: c.945C>G on transcript NM_000498.3 (MANE Select); coding-DNA position 945, C replaced by G.
Protein change: p.Ser315Arg; replaces serine 315 with arginine.
Molecular consequence: missense variant.
Genome position (GRCh38, 1-based): chr8:142,914,273, G>C on the plus strand (C>G on the coding strand, the complement: CYP11B2 is on the minus strand). VCF-style: chr8-142914273-G-C. GRCh37 (hg19) VCF-style: chr8-143995689-G-C.
Other names: short protein forms S315R.
Identifiers: ClinVar variation 2581484 (VCV002581484.2), dbSNP rs759178574, ClinGen allele CA372388382.
Genomic context (GRCh38, chr8:142,914,273, plus strand): 5'-GAGGCAGGCTTGGCATCACCCTCTCTGGGTGGGGCTGGTTGCTGGCCTGACCGTGTCCAC[G>C]CTCCCTGCAGTGAGTTCCATAGAGTTGGCCTTGATGGCTTCTAGTGACAGTTCCGCCTTC-3'
Protein context (NP_000489.3, residues 305-325): KANSMELTAG[Ser315Arg]VDTTAFPLLM